The following is an entry in ClinVar:

ClinVar aggregate classification (germline): Benign/Likely benign. Review status: criteria provided, multiple submitters, no conflicts (2 of 4 stars). 3 submissions from 3 submitters: Benign (2); Likely benign (1). Last evaluated 2025-08-01.

Allele frequency attached by ClinVar (database versions not stated): 1000 Genomes Project 30x 0.00375; 1000 Genomes Project 0.00379; ExAC 0.00447; gnomAD exomes 0.00459; gnomAD 0.00486 and 0.00502; ESP Exome Variant Server 0.00494; TOPMed 0.00496.
gnomAD v4.1: 8,835 of 1,613,846 alleles (0.55%); highest among the groups gnomAD compares: Middle Eastern, 0.74%; 33 homozygotes.

Submissions (3):

CeGaT Center for Human Genetics Tuebingen
Classification: Likely benign. Last evaluated: 2025-08-01. Review status: criteria provided, single submitter. Criteria: CeGaT Center For Human Genetics Tuebingen Variant Classification Criteria Version 2. Collection method: clinical testing. Allele origin: germline. Affected: yes. Observed: 2 variant alleles.
Comment: DOCK9: BP4, BP7, BS2

Labcorp Genetics (formerly Invitae), Labcorp
Classification: Benign. Last evaluated: 2018-03-29. Review status: criteria provided, single submitter. Criteria: Invitae Variant Classification Sherloc (09022015). Collection method: clinical testing. Allele origin: germline.

Breakthrough Genomics
Classification: Benign. Review status: criteria provided, single submitter. Criteria: ACMG Guidelines, 2015. Collection method: not provided. Allele origin: germline. Inheritance: Unknown mechanism. Affected: yes.

NM_001366683.2(DOCK9):c.6036C>T (p.Cys2012=)

Gene: DOCK9 (dedicator of cytokinesis 9; minus strand). Cytogenetic location: 13q32.3.
Variant type: single nucleotide variant.
Coding change: c.6036C>T on transcript NM_001366683.2 (MANE Select); coding-DNA position 6036, C replaced by T.
Protein change: p.Cys2012=; no amino-acid change (cysteine 2012 retained).
Molecular consequence: synonymous variant.
Genome position (GRCh38, 1-based): chr13:98,797,235, G>A on the plus strand (C>T on the coding strand, the complement: DOCK9 is on the minus strand). VCF-style: chr13-98797235-G-A. GRCh37 (hg19) VCF-style: chr13-99449489-G-A.
Other names: c.6078C>T, p.Cys2026= (NM_001130048.2); c.6012C>T, p.Cys2004= (NM_001318849.2); c.6045C>T, p.Cys2015= (NM_001366676.2); c.6015C>T, p.Cys2005= (NM_001366677.2); c.6114C>T, p.Cys2038= (NM_001366678.2); c.5979C>T, p.Cys1993= (NM_001366679.2); c.5943C>T, p.Cys1981= (NM_001366680.2); c.6141C>T, p.Cys2047= (NM_001366681.2); and 3 more.
Identifiers: ClinVar variation 790370 (VCV000790370.28), dbSNP rs41279128, ClinGen allele CA7028636.